The following is an entry in ClinVar:

NM_000091.5(COL4A3):c.592G>A (p.Gly198Ser)

Genes: MFF-DT (MFF divergent transcript; minus strand), COL4A3 (collagen type IV alpha 3 chain; plus strand). Cytogenetic location: 2q36.3.
Variant type: single nucleotide variant.
Coding change: c.592G>A on transcript NM_000091.5 (MANE Select); coding-DNA position 592, G replaced by A.
Protein change: p.Gly198Ser; replaces glycine 198 with serine.
Molecular consequence: missense variant.
Genome position (GRCh38, 1-based): chr2:227,251,185, G>A. VCF-style: chr2-227251185-G-A. GRCh37 (hg19) VCF-style: chr2-228115901-G-A.
Other names: short protein forms G198S.
Identifiers: ClinVar variation 3377713 (VCV003377713.1).

ClinVar aggregate classification (germline): Uncertain significance (1 of 4 stars; one submission).

Conditions:
Autosomal dominant Alport syndrome (ATS3A). Also called: Alport syndrome dominant type; Renal failure and sensorineural hearing loss; ALPORT SYNDROME 3A, AUTOSOMAL DOMINANT. Identifiers: Orphanet 63, Orphanet 88918, MedGen C5882663, MONDO:0007086, OMIM 104200.

gnomAD v4.1: 1 of 1,613,594 alleles (0.000062%); highest among the groups gnomAD compares: African/African-American, 0.0013%; no homozygotes.

Submission:

Neuberg Centre For Genomic Medicine, NCGM
Classification: Uncertain significance for Autosomal dominant Alport syndrome. Last evaluated: 2023-06-22. Review status: criteria provided, single submitter. Criteria: ACMG Guidelines, 2015. Collection method: clinical testing. Allele origin: germline. Inheritance: Autosomal dominant inheritance. Affected: yes.
Comment: The observed missense variant c.592G>A(p.Gly198Ser) in COL4A3 gene has not been reported previously as a pathogenic variantnor as a benign variant, to our knowledge. The (p.Gly198Ser) variant is reported with 0.0004% allele frequency in gnomAD Exomes.The amino acid Gly at position 198 is changed to a Ser changing protein sequence and it might alter its composition and physico-chemical properties. Multiple lines of computational evidence (Polyphen-probably damaging, SIFT-damaging and MutationTaster-disease causing) predict a damaging effect on protein structure and function for this variant. The reference amino acidp.Gly198Ser in COL4A3 is predicted as conserved by GERP++ and PhyloP across 100 vertebrates. For these reasons, this variant hasbeen classified as Uncertain Significance.